The following is an entry in ClinVar:

NM_001854.4(COL11A1):c.4056G>T (p.Glu1352Asp)

Gene: COL11A1 (collagen type XI alpha 1 chain; minus strand). Cytogenetic location: 1p21.1.
Variant type: single nucleotide variant.
Coding change: c.4056G>T on transcript NM_001854.4 (MANE Select); coding-DNA position 4056, G replaced by T.
Protein change: p.Glu1352Asp; replaces glutamic acid 1352 with aspartic acid.
Molecular consequence: missense variant. On other transcripts: non-coding transcript variant (1).
Genome position (GRCh38, 1-based): chr1:102,912,189, C>A on the plus strand (G>T on the coding strand, the complement: COL11A1 is on the minus strand). VCF-style: chr1-102912189-C-A. GRCh37 (hg19) VCF-style: chr1-103377745-C-A.
Other names: c.3708G>T, p.Glu1236Asp (NM_001168249.1, NM_080630.4); c.3939G>T, p.Glu1313Asp (NM_001190709.2); c.4092G>T, p.Glu1364Asp (NM_080629.3); short protein forms E1236D, E1313D, E1352D, E1364D.
Identifiers: ClinVar variation 2507124 (VCV002507124.5), dbSNP rs1306769069, ClinGen allele CA341160204.

ClinVar aggregate classification (germline): Uncertain significance. Review status: criteria provided, multiple submitters, no conflicts (2 of 4 stars). 2 submissions from 2 submitters: Uncertain significance (2). Last evaluated 2025-09-05.

Allele frequency attached by ClinVar (database versions not stated): TOPMed below 0.00001; gnomAD 0.00001.
gnomAD v4.1: 4 of 1,611,634 alleles (0.00025%); highest among the groups gnomAD compares: Non-Finnish European, 0.00034%; no homozygotes.

Submissions (2):

Labcorp Genetics (formerly Invitae), Labcorp
Classification: Uncertain significance. Last evaluated: 2025-09-05. Review status: criteria provided, single submitter. Criteria: Invitae Variant Classification Sherloc (09022015). Collection method: clinical testing. Allele origin: germline.
Comment: This sequence change replaces glutamic acid, which is acidic and polar, with aspartic acid, which is acidic and polar, at codon 1352 of the COL11A1 protein (p.Glu1352Asp). This variant is present in population databases (no rsID available, gnomAD 0.007%). This variant has not been reported in the literature in individuals affected with COL11A1-related conditions. ClinVar contains an entry for this variant (Variation ID: 2507124). Invitae Evidence Modeling of protein sequence and biophysical properties (such as structural, functional, and spatial information, amino acid conservation, physicochemical variation, residue mobility, and thermodynamic stability) indicates that this missense variant is not expected to disrupt COL11A1 protein function with a negative predictive value of 80%. In summary, the available evidence is currently insufficient to determine the role of this variant in disease. Therefore, it has been classified as a Variant of Uncertain Significance.

GeneDx
Classification: Uncertain significance. Last evaluated: 2024-12-11. Review status: criteria provided, single submitter. Criteria: GeneDx Variant Classification Process June 2021. Collection method: clinical testing. Allele origin: germline. Affected: yes.
Comment: Not observed at significant frequency in large population cohorts (gnomAD); In silico analysis supports that this missense variant has a deleterious effect on protein structure/function; Has not been previously published as pathogenic or benign to our knowledge